The following is an entry in ClinVar:

NM_000256.3(MYBPC3):c.2455A>G (p.Met819Val)

Gene: MYBPC3 (myosin binding protein C3; minus strand). Cytogenetic location: 11p11.2.
Variant type: single nucleotide variant.
Coding change: c.2455A>G on transcript NM_000256.3 (MANE Select); coding-DNA position 2455, A replaced by G.
Protein change: p.Met819Val; replaces methionine 819 with valine.
Molecular consequence: missense variant.
Genome position (GRCh38, 1-based): chr11:47,337,538, T>C on the plus strand (A>G on the coding strand, the complement: MYBPC3 is on the minus strand). VCF-style: chr11-47337538-T-C. GRCh37 (hg19) VCF-style: chr11-47359089-T-C.
Other names: short protein forms M819V.
Identifiers: ClinVar variation 2125441 (VCV002125441.4), dbSNP rs2095883651, ClinGen allele CA380318373.

ClinVar aggregate classification (germline): Uncertain significance (1 of 4 stars; one submission).

Conditions:
Hypertrophic cardiomyopathy. Also called: HYPERTROPHIC MYOCARDIOPATHY. Identifiers: Orphanet 217569, MedGen C0007194, MeSH D002312, MONDO:0005045, HP:0001639.

Submission:

Labcorp Genetics (formerly Invitae), Labcorp
Classification: Uncertain significance for Hypertrophic cardiomyopathy. Last evaluated: 2022-04-12. Review status: criteria provided, single submitter. Criteria: Invitae Variant Classification Sherloc (09022015). Collection method: clinical testing. Allele origin: germline.
Comment: In summary, the available evidence is currently insufficient to determine the role of this variant in disease. Therefore, it has been classified as a Variant of Uncertain Significance. Algorithms developed to predict the effect of missense changes on protein structure and function are either unavailable or do not agree on the potential impact of this missense change (SIFT: "Deleterious"; PolyPhen-2: "Probably Damaging"; Align-GVGD: "Class C15"). This variant has not been reported in the literature in individuals affected with MYBPC3-related conditions. This variant is not present in population databases (gnomAD no frequency). This sequence change replaces methionine, which is neutral and non-polar, with valine, which is neutral and non-polar, at codon 819 of the MYBPC3 protein (p.Met819Val).